The following is an entry in ClinVar:

ClinVar aggregate classification (germline): Conflicting classifications of pathogenicity. Review status: criteria provided, conflicting classifications (1 of 4 stars). 8 submissions from 8 submitters: Uncertain significance (7); Likely benign (1). Last evaluated 2026-07-27.

Conditions:
Inborn genetic diseases. Identifiers: MedGen C0950123, MeSH D030342.
Malignant hyperthermia, susceptibility to, 5 (MHS5). Also called: CACNA1S-Related Malignant Hyperthermia Susceptibility. Identifiers: Orphanet 423, MedGen C1866077, MONDO:0011163, OMIM 601887.
Hypokalemic periodic paralysis, type 1. Also called: Hypokalemic Periodic Paralysis Type 1 (AD); HypoPP. Identifiers: Orphanet 681, MedGen C3714580, MONDO:0042979, OMIM 170400.
Thyrotoxic periodic paralysis, susceptibility to, 1 (TTPP1). Identifiers: Orphanet 79102, MedGen C2749982, MONDO:0008570, OMIM 188580.
Congenital myopathy 18. Also called: Myopathy, congenital, due to dihydropyridine receptor defect; DIHYDROPYRIDINE RECEPTOR CONGENITAL MYOPATHY; DHPR CONGENITAL MYOPATHY. Identifiers: MedGen C5830283, MONDO:0859514, OMIM 620246.

Allele frequency attached by ClinVar (database versions not stated): gnomAD exomes 0.00011; ExAC 0.00013; gnomAD 0.00013; TOPMed 0.00022.
gnomAD v4.1: 174 of 1,613,610 alleles (0.011%); highest among the groups gnomAD compares: Admixed American, 0.027%; no homozygotes.

Submissions (8):

GeneDx
Classification: Uncertain significance. Last evaluated: 2026-07-27. Review status: criteria provided, single submitter. Criteria: GeneDx Variant Classification Process June 2021. Collection method: clinical testing. Allele origin: germline.
Comment: Identified in a patient with progressive muscle weakness who also harbored a variant in the UQCRC1 gene (PMID: 41783485); In silico analysis supports that this missense variant has a deleterious effect on protein structure/function; This variant is associated with the following publications: (PMID: 41783485)

Labcorp Genetics (formerly Invitae), Labcorp
Classification: Uncertain significance for Hypokalemic periodic paralysis, type 1; Malignant hyperthermia, susceptibility to, 5. Last evaluated: 2024-12-31. Review status: criteria provided, single submitter. Criteria: Invitae Variant Classification Sherloc (09022015). Collection method: clinical testing. Allele origin: germline.
Comment: This sequence change replaces asparagine, which is neutral and polar, with histidine, which is basic and polar, at codon 649 of the CACNA1S protein (p.Asn649His). This variant is present in population databases (rs760246258, gnomAD 0.02%). This variant has not been reported in the literature in individuals affected with CACNA1S-related conditions. ClinVar contains an entry for this variant (Variation ID: 294752). Invitae Evidence Modeling of protein sequence and biophysical properties (such as structural, functional, and spatial information, amino acid conservation, physicochemical variation, residue mobility, and thermodynamic stability) has been performed for this missense variant. However, the output from this modeling did not meet the statistical confidence thresholds required to predict the impact of this variant on CACNA1S protein function. In summary, the available evidence is currently insufficient to determine the role of this variant in disease. Therefore, it has been classified as a Variant of Uncertain Significance.

Blueprint Genetics
Classification: Uncertain significance. Last evaluated: 2024-10-18. Review status: criteria provided, single submitter. Criteria: ACMG Guidelines, 2015. Collection method: clinical testing. Allele origin: germline.

Fulgent Genetics
Classification: Uncertain significance for Hypokalemic periodic paralysis, type 1; Thyrotoxic periodic paralysis, susceptibility to, 1; Malignant hyperthermia, susceptibility to, 5; Congenital myopathy 18. Last evaluated: 2024-06-12. Review status: criteria provided, single submitter. Criteria: ACMG Guidelines, 2015. Collection method: clinical testing. Allele origin: germline.

Revvity Omics, Revvity
Classification: Uncertain significance. Last evaluated: 2024-03-21. Review status: criteria provided, single submitter. Criteria: ACMG Guidelines, 2015. Collection method: clinical testing. Allele origin: germline.

Color Diagnostics, LLC DBA Color Health
Classification: Uncertain significance for Malignant hyperthermia, susceptibility to, 5. Last evaluated: 2024-03-06. Review status: criteria provided, single submitter. Criteria: ACMG Guidelines, 2015. Collection method: clinical testing. Allele origin: germline.
Comment: This missense variant replaces asparagine with histidine at codon 649 of the CACNA1S protein. Computational prediction suggests that this variant may have deleterious impact on protein structure and function (internally defined REVEL score threshold >= 0.7, PMID: 27666373). To our knowledge, functional studies have not been reported for this variant. This variant has not been reported in individuals affected with CACNA1S-related disorders in the literature. This variant has not been identified in the general population by the Genome Aggregation Database (gnomAD). The available evidence is insufficient to determine the role of this variant in disease conclusively. Therefore, this variant is classified as a Variant of Uncertain Significance.

Ambry Genetics
Classification: Uncertain significance for Inborn genetic diseases. Last evaluated: 2023-05-23. Review status: criteria provided, single submitter. Criteria: Ambry Variant Classification Scheme 2023. Collection method: clinical testing. Allele origin: germline.

Illumina Laboratory Services, Illumina
Classification: Likely benign for Hypokalemic periodic paralysis, type 1. Last evaluated: 2018-01-12. Review status: criteria provided, single submitter. Criteria: ICSL Variant Classification Criteria 13 December 2019. Collection method: clinical testing. Allele origin: germline.
Comment: This variant was observed in the ICSL laboratory as part of a predisposition screen in an ostensibly healthy population. It had not been previously curated by ICSL or reported in the Human Gene Mutation Database (HGMD: prior to June 1st, 2018), and was therefore a candidate for classification through an automated scoring system. Utilizing variant allele frequency, disease prevalence and penetrance estimates, and inheritance mode, an automated score was calculated to assess if this variant is too frequent to cause the disease. Based on the score and internal cut-off values, a variant classified as likely benign is not then subjected to further curation. The score for this variant resulted in a classification of likely benign for this disease.

NM_000069.3(CACNA1S):c.1945A>C (p.Asn649His)

Gene: CACNA1S (calcium voltage-gated channel subunit alpha1 S; minus strand). Cytogenetic location: 1q32.1.
Variant type: single nucleotide variant.
Coding change: c.1945A>C on transcript NM_000069.3 (MANE Select); coding-DNA position 1945, A replaced by C.
Protein change: p.Asn649His; replaces asparagine 649 with histidine.
Molecular consequence: missense variant.
Genome position (GRCh38, 1-based): chr1:201,075,498, T>G on the plus strand (A>C on the coding strand, the complement: CACNA1S is on the minus strand). VCF-style: chr1-201075498-T-G. GRCh37 (hg19) VCF-style: chr1-201044626-T-G.
Other names: short protein forms N649H.
Identifiers: ClinVar variation 294752 (VCV000294752.37), dbSNP rs760246258, ClinGen allele CA078677.
Genomic context (GRCh38, chr1:201,075,498, plus strand): 5'-CCCTTTCCCCCACCCCCTCCCTAAGCTCTTTTCTGCACCCTGCTCCCGAGAGGATACAGT[T>G]GCCACAGACGAAAAGGATGATGAAGTAAATGCACACAAGCATGCCAGGGTAGGACGGCCC-3'
Protein context (NP_000060.2, residues 639-659): IYFIILFVCG[Asn649His]YILLNVFLAI